The following is an entry in ClinVar:

ClinVar aggregate classification (germline): Benign (1 of 4 stars; one submission).

Allele frequency attached by ClinVar (database versions not stated): 1000 Genomes Project 0.39856; ESP Exome Variant Server 0.45989; gnomAD exomes 0.48582; ExAC 0.47581; TOPMed 0.43149; 1000 Genomes Project 30x 0.39647; gnomAD 0.45180.
gnomAD v4.1: 741,368 of 1,536,482 alleles (48%); highest among the groups gnomAD compares: Middle Eastern, 55%; 182,642 homozygotes.

Submissions (2):

Unidad de Genómica Garrahan, Hospital de Pediatría Garrahan
Classification: Benign. Last evaluated: 2023-11-12. Review status: criteria provided, single submitter. Criteria: ACMG Guidelines, 2015. Collection method: clinical testing. Allele origin: germline. Affected: no. Observed: 48 variant alleles.
Comment: This variant is classified as Benign based on local population frequency. This variant was detected in 50% of patients studied by a panel of primary immunodeficiencies. Number of patients: 48. Only high quality variants are reported.

Dr. Peter K. Rogan Lab, Western University
No classification provided (evidence only). Condition: Hepatocellular carcinoma. Review status: no classification provided. Collection method: in vitro. Allele origin: not applicable. Functional consequence: retained intron. Not counted in ClinVar's aggregate classification.

NM_031483.7(ITCH):c.1952+26A>T

Gene: ITCH (itchy E3 ubiquitin protein ligase; plus strand). Cytogenetic location: 20q11.22.
Variant type: single nucleotide variant.
Coding change: c.1952+26A>T on transcript NM_031483.7 (MANE Select); 26 bases into the intron after coding-DNA position 1952, A replaced by T.
Molecular consequence: intron variant.
Genome position (GRCh38, 1-based): chr20:34,480,758, A>T. VCF-style: chr20-34480758-A-T. GRCh37 (hg19) VCF-style: chr20-33068563-A-T.
Other names: NC_000020.10:g.33068563A>T; c.2075+26A>T (NM_001324197.2, NM_001257137.3); c.1952+26A>T (NM_001324198.2); c.1622+26A>T (NM_001257138.3).
Identifiers: ClinVar variation 2628179 (VCV002628179.3), dbSNP rs6059861, ClinGen allele CA9821850.
Genomic context (GRCh38, chr20:34,480,758, plus strand): 5'-GATCCAGAATTTTACAATTCTCTCATCTGGGTTAAGTAAGTTTCTTTTTCCATGTAATTT[A>T]TTAAAATATAGTTATATGCATTCCGTGTAGTATTGATAACTTATCCAAACTGTAGGCACA-3'